The following is an entry in ClinVar:

ClinVar aggregate classification (germline): Uncertain significance. Review status: criteria provided, multiple submitters, no conflicts (2 of 4 stars). 2 submissions from 2 submitters: Uncertain significance (2). Last evaluated 2025-07-20.

Allele frequency attached by ClinVar (database versions not stated): gnomAD 0.00002; TOPMed 0.00002; gnomAD exomes 0.00009.
gnomAD v4.1: 136 of 1,614,004 alleles (0.0084%); highest among the groups gnomAD compares: Non-Finnish European, 0.011%; no homozygotes.

Submissions (2):

Labcorp Genetics (formerly Invitae), Labcorp
Classification: Uncertain significance. Last evaluated: 2025-07-20. Review status: criteria provided, single submitter. Criteria: Invitae Variant Classification Sherloc (09022015). Collection method: clinical testing. Allele origin: germline.
Comment: This sequence change replaces leucine, which is neutral and non-polar, with phenylalanine, which is neutral and non-polar, at codon 1156 of the A2ML1 protein (p.Leu1156Phe). This variant is present in population databases (no rsID available, gnomAD 0.003%). This variant has not been reported in the literature in individuals affected with A2ML1-related conditions. ClinVar contains an entry for this variant (Variation ID: 1731688). An algorithm developed to predict the effect of missense changes on protein structure and function (PolyPhen-2) suggests that this variant is likely to be disruptive. In summary, the available evidence is currently insufficient to determine the role of this variant in disease. Therefore, it has been classified as a Variant of Uncertain Significance.

Ambry Genetics
Classification: Uncertain significance. Last evaluated: 2025-01-27. Review status: criteria provided, single submitter. Criteria: Ambry Variant Classification Scheme 2023. Collection method: clinical testing. Allele origin: germline.

NM_144670.6(A2ML1):c.3466C>T (p.Leu1156Phe)

Gene: A2ML1 (alpha-2-macroglobulin like 1; plus strand). Cytogenetic location: 12p13.31.
Variant type: single nucleotide variant.
Coding change: c.3466C>T on transcript NM_144670.6 (MANE Select); coding-DNA position 3466, C replaced by T.
Protein change: p.Leu1156Phe; replaces leucine 1156 with phenylalanine.
Molecular consequence: missense variant.
Genome position (GRCh38, 1-based): chr12:8,861,261, C>T. VCF-style: chr12-8861261-C-T. GRCh37 (hg19) VCF-style: chr12-9013857-C-T.
Other names: c.1993C>T, p.Leu665Phe (NM_001282424.3); short protein forms L1156F, L665F.
Identifiers: ClinVar variation 1731688 (VCV001731688.9), dbSNP rs915659031, ClinGen allele CA232698957.